The following is an entry in ClinVar:

NM_017636.4(TRPM4):c.1391A>G (p.Tyr464Cys)

Gene: TRPM4 (transient receptor potential cation channel subfamily M member 4; plus strand). Cytogenetic location: 19q13.33.
Variant type: single nucleotide variant.
Coding change: c.1391A>G on transcript NM_017636.4 (MANE Select); coding-DNA position 1391, A replaced by G.
Protein change: p.Tyr464Cys; replaces tyrosine 464 with cysteine.
Molecular consequence: missense variant. On other transcripts: 5 prime UTR variant (1).
Genome position (GRCh38, 1-based): chr19:49,182,705, A>G. VCF-style: chr19-49182705-A-G. GRCh37 (hg19) VCF-style: chr19-49685962-A-G.
Other names: c.1391A>G, p.Tyr464Cys (NM_001195227.2); c.1046A>G, p.Tyr349Cys (NM_001321281.2); c.-163A>G (NM_001321282.2); c.869A>G, p.Tyr290Cys (NM_001321283.2); c.329A>G, p.Tyr110Cys (NM_001321285.2); short protein forms Y290C, Y349C, Y110C, Y464C.
Identifiers: ClinVar variation 1421477 (VCV001421477.11), dbSNP rs1024275933, ClinGen allele CA309442907.

ClinVar aggregate classification (germline): Uncertain significance. Review status: criteria provided, multiple submitters, no conflicts (2 of 4 stars). 3 submissions from 3 submitters: Uncertain significance (3). Last evaluated 2025-05-27.

Conditions:
Cardiovascular phenotype. Identifiers: MedGen CN230736.
Progressive familial heart block type IB (PFHB1B). Identifiers: Orphanet 871, MedGen C1970298, MONDO:0011474, OMIM 604559.

Allele frequency attached by ClinVar (database versions not stated): gnomAD exomes below 0.00001; gnomAD 0.00002; TOPMed 0.00003.
gnomAD v4.1: 6 of 1,613,840 alleles (0.00037%); highest among the groups gnomAD compares: African/African-American, 0.0067%; no homozygotes.

Submissions (3):

Labcorp Genetics (formerly Invitae), Labcorp
Classification: Uncertain significance for Progressive familial heart block type IB. Last evaluated: 2025-05-27. Review status: criteria provided, single submitter. Criteria: Invitae Variant Classification Sherloc (09022015). Collection method: clinical testing. Allele origin: germline.
Comment: This sequence change replaces tyrosine, which is neutral and polar, with cysteine, which is neutral and slightly polar, at codon 464 of the TRPM4 protein (p.Tyr464Cys). This variant is present in population databases (no rsID available, gnomAD 0.007%). This variant has not been reported in the literature in individuals affected with TRPM4-related conditions. ClinVar contains an entry for this variant (Variation ID: 1421477). An algorithm developed to predict the effect of missense changes on protein structure and function (PolyPhen-2) suggests that this variant is likely to be disruptive. In summary, the available evidence is currently insufficient to determine the role of this variant in disease. Therefore, it has been classified as a Variant of Uncertain Significance.

Ambry Genetics
Classification: Uncertain significance for Cardiovascular phenotype. Last evaluated: 2024-12-28. Review status: criteria provided, single submitter. Criteria: Ambry Variant Classification Scheme 2023. Collection method: clinical testing. Allele origin: germline.
Comment: The p.Y464C variant (also known as c.1391A>G), located in coding exon 11 of the TRPM4 gene, results from an A to G substitution at nucleotide position 1391. The tyrosine at codon 464 is replaced by cysteine, an amino acid with highly dissimilar properties. This amino acid position is highly conserved in available vertebrate species. In addition, this alteration is predicted to be deleterious by in silico analysis. Since supporting evidence is limited at this time, the clinical significance of this alteration remains unclear.

GeneDx
Classification: Uncertain significance. Last evaluated: 2022-04-06. Review status: criteria provided, single submitter. Criteria: GeneDx Variant Classification Process June 2021. Collection method: clinical testing. Allele origin: germline. Affected: yes.
Comment: Not observed at significant frequency in large population cohorts (gnomAD); In silico analysis supports that this missense variant has a deleterious effect on protein structure/function; Has not been previously published as pathogenic or benign to our knowledge